The following is an entry in ClinVar:

ClinVar aggregate classification (germline): Uncertain significance (1 of 4 stars; one submission).

Conditions:
Hereditary cancer-predisposing syndrome. Also called: Neoplastic Syndromes, Hereditary; Tumor predisposition; Hereditary neoplastic syndrome; Hereditary Cancer Syndrome. Identifiers: Orphanet 140162, MedGen C0027672, MeSH D009386, MONDO:0015356.

gnomAD v4.1: 2 of 1,613,874 alleles (0.00012%); highest among the groups gnomAD compares: Non-Finnish European, 0.00017%; no homozygotes.

Submission:

Ambry Genetics
Classification: Uncertain significance for Hereditary cancer-predisposing syndrome. Last evaluated: 2022-12-01. Review status: criteria provided, single submitter. Criteria: Ambry Variant Classification Scheme 2023. Collection method: clinical testing. Allele origin: germline.
Comment: The p.G681S variant (also known as c.2041G>A) is located in coding exon 12 of the DICER1 gene. The glycine at codon 681 is replaced by serine, an amino acid with similar properties. This change occurs in the first base pair of coding exon 12. This amino acid position is conserved. In addition, the in silico prediction for this alteration is inconclusive. Since supporting evidence is limited at this time, the clinical significance of this alteration remains unclear.

NM_177438.3(DICER1):c.2041G>A (p.Gly681Ser)

Gene: DICER1 (dicer 1, ribonuclease III; minus strand). Cytogenetic location: 14q32.13.
Variant type: single nucleotide variant.
Coding change: c.2041G>A on transcript NM_177438.3 (MANE Select); coding-DNA position 2041, G replaced by A.
Protein change: p.Gly681Ser; replaces glycine 681 with serine.
Molecular consequence: missense variant. On other transcripts: non-coding transcript variant (6).
Genome position (GRCh38, 1-based): chr14:95,112,247, C>T on the plus strand (G>A on the coding strand, the complement: DICER1 is on the minus strand). VCF-style: chr14-95112247-C-T. GRCh37 (hg19) VCF-style: chr14-95578584-C-T.
Other names: c.2041G>A, p.Gly681Ser (NM_001195573.1, NM_001271282.3, NM_001291628.2 and 13 more transcripts); c.1759G>A, p.Gly587Ser (NM_001395686.1); c.1636G>A, p.Gly546Ser (NM_001395687.1, NM_001395688.1, NM_001395689.1 and 3 more transcripts); c.1474G>A, p.Gly492Ser (NM_001395691.1); c.358G>A, p.Gly120Ser (NM_001395697.1); short protein forms G681S, G492S, G587S, G120S, G546S.
Identifiers: ClinVar variation 2451692 (VCV002451692.2), dbSNP rs2542932453, ClinGen allele CA390883144.